The following is an entry in ClinVar:

ClinVar aggregate classification (germline): Uncertain significance (1 of 4 stars; one submission).

Conditions:
Cardiovascular phenotype. Identifiers: MedGen CN230736.

Allele frequency attached by ClinVar (database versions not stated): gnomAD exomes below 0.00001; ExAC 0.00001; gnomAD 0.00001; TOPMed 0.00001.
gnomAD v4.1: 5 of 1,613,346 alleles (0.00031%); highest among the groups gnomAD compares: Non-Finnish European, 0.00042%; no homozygotes.

Submission:

Ambry Genetics
Classification: Uncertain significance for Cardiovascular phenotype. Last evaluated: 2023-06-28. Review status: criteria provided, single submitter. Criteria: Ambry Variant Classification Scheme 2023. Collection method: clinical testing. Allele origin: germline.
Comment: The p.Y493H variant (also known as c.1477T>C), located in coding exon 13 of the PRDM5 gene, results from a T to C substitution at nucleotide position 1477. The tyrosine at codon 493 is replaced by histidine, an amino acid with similar properties. This amino acid position is conserved. In addition, the in silico prediction for this alteration is inconclusive. Since supporting evidence is limited at this time, the clinical significance of this alteration remains unclear.

NM_018699.4(PRDM5):c.1477T>C (p.Tyr493His)

Gene: PRDM5 (PR/SET domain 5; minus strand). Cytogenetic location: 4q27.
Variant type: single nucleotide variant.
Coding change: c.1477T>C on transcript NM_018699.4 (MANE Select); coding-DNA position 1477, T replaced by C.
Protein change: p.Tyr493His; replaces tyrosine 493 with histidine.
Molecular consequence: missense variant.
Genome position (GRCh38, 1-based): chr4:120,777,248, A>G on the plus strand (T>C on the coding strand, the complement: PRDM5 is on the minus strand). VCF-style: chr4-120777248-A-G. GRCh37 (hg19) VCF-style: chr4-121698403-A-G.
Other names: c.1384T>C, p.Tyr462His (NM_001300823.2, NM_001300824.2, NM_001379106.1); c.1510T>C, p.Tyr504His (NM_001379104.1); short protein forms Y462H, Y493H, Y504H.
Identifiers: ClinVar variation 2626688 (VCV002626688.2), dbSNP rs754918140, ClinGen allele CA3061038.